The following is an entry in ClinVar:

ClinVar aggregate classification (germline): Pathogenic. Review status: criteria provided, single submitter (1 of 4 stars). 2 submissions from 2 submitters: Pathogenic (1). 1 of the submissions does not count toward it. Last evaluated 2024-02-24.

Conditions:
Lowe syndrome (OCRL). Also called: PHOSPHATIDYLINOSITOL 4,5-BISPHOSPHATE 5-PHOSPHATASE DEFICIENCY; Oculocerebrorenal Syndrome; LOWE OCULOCEREBRORENAL SYNDROME. Identifiers: Orphanet 534, MedGen C0028860, MONDO:0010645, OMIM 309000.

Submissions (2):

Labcorp Genetics (formerly Invitae), Labcorp
Classification: Pathogenic for Lowe syndrome. Last evaluated: 2024-02-24. Review status: criteria provided, single submitter. Criteria: Invitae Variant Classification Sherloc (09022015). Collection method: clinical testing. Allele origin: germline.
Comment: This sequence change replaces proline, which is neutral and non-polar, with leucine, which is neutral and non-polar, at codon 526 of the OCRL protein (p.Pro526Leu). This variant is not present in population databases (gnomAD no frequency). This missense change has been observed in individual(s) with Lowe syndrome (PMID: 10767176). This variant is also known as c.1754C>T. ClinVar contains an entry for this variant (Variation ID: 68720). Advanced modeling of protein sequence and biophysical properties (such as structural, functional, and spatial information, amino acid conservation, physicochemical variation, residue mobility, and thermodynamic stability) performed at Invitae indicates that this missense variant is expected to disrupt OCRL protein function with a positive predictive value of 95%. This variant disrupts the p.Pro526 amino acid residue in OCRL. Other variant(s) that disrupt this residue have been determined to be pathogenic (PMID: 19902262; Invitae). This suggests that this residue is clinically significant, and that variants that disrupt this residue are likely to be disease-causing. For these reasons, this variant has been classified as Pathogenic.

UniProtKB/Swiss-Prot
No classification provided. Condition: Lowe syndrome. Review status: no classification provided. Collection method: not provided. Allele origin: germline. Not counted in ClinVar's aggregate classification.

Literature cited by the submitters: PubMed 10767176 (cited by Labcorp Genetics (formerly Invitae), Labcorp); PubMed 19902262 (cited by Labcorp Genetics (formerly Invitae), Labcorp).

NM_000276.4(OCRL):c.1577C>T (p.Pro526Leu)

Gene: OCRL (OCRL inositol polyphosphate-5-phosphatase; plus strand). Cytogenetic location: Xq26.1.
Variant type: single nucleotide variant.
Coding change: c.1577C>T on transcript NM_000276.4 (MANE Select); coding-DNA position 1577, C replaced by T.
Protein change: p.Pro526Leu; replaces proline 526 with leucine.
Molecular consequence: missense variant.
Genome position (GRCh38, 1-based): chrX:129,569,374, C>T. VCF-style: chrX-129569374-C-T. GRCh37 (hg19) VCF-style: chrX-128703351-C-T.
Other names: c.1580C>T, p.Pro527Leu (NM_001318784.2); c.1577C>T, p.Pro526Leu (NM_001587.4); short protein forms P526L, P527L.
Identifiers: ClinVar variation 68720 (VCV000068720.6), dbSNP rs137853858, ClinGen allele CA266162.
Genomic context (GRCh38, chrX:129,569,374, plus strand): 5'-CAAATGTTAATCAGCTTAATTATCGGAGTCACATGGAACTGAAAACCAGCGACCACAAGC[C>T]TGTTAGCGCCCTCTTCCATATTGGGGTAAACACTTGTTTGTACATTCATTTATTTGTGTG-3'
Protein context (NP_000267.2, residues 516-536): HMELKTSDHK[Pro526Leu]VSALFHIGVK